The following is an entry in ClinVar:

NC_000006.11:g.(66063511_66094278)_(66205887_66349670)dup

Gene: EYS (eyes shut homolog; minus strand). Cytogenetic location: 6q12.
Variant type: Duplication.
Identifiers: ClinVar variation 2429174 (VCV002429174.3).

ClinVar aggregate classification (germline): Uncertain significance (1 of 4 stars; one submission).

Submission:

Women's Health and Genetics/Laboratory Corporation of America, LabCorp
Classification: Uncertain significance. Last evaluated: 2023-01-06. Review status: criteria provided, single submitter. Criteria: LabCorp Variant Classification Summary - May 2015. Collection method: clinical testing. Allele origin: germline.
Comment: Variant summary: The variant identified by MLPA or other technology involves the duplication of exons 3-8 in the EYS gene, where exon 4 contains the initiator codon. The exact breakpoint at the 5' end of this variant is unknown and therefore this duplication might extend upstream of the assayed region of the gene. A presumed nomenclature of c.(-333+1_-332-1)_(1299+1_1300-1)dup has been designated for the purposes of this classification. It has been assumed that this is a tandem duplication in direct orientation (Richardson_GIM_2018, Newman_AJHG_2015). Since the exact breakpoints of this duplication are not known, it is not possible to predict the protein level effect of this variant. The variant was absent in 21688 control chromosomes in the gnomAD database (structural variants dataset). The available data on variant occurrences in the general population are insufficient to allow any conclusion about variant significance. To our knowledge, no occurrence of c.(-333+1_-332-1)_(1299+1_1300-1)dup in individuals affected with Retinitis Pigmentosa and no experimental evidence demonstrating its impact on protein function have been reported. One clinical diagnostic laboratory has submitted clinical-significance assessments for a similar duplication variant to ClinVar after 2014 without evidence for independent evaluation, and classified the variant as uncertain significance. In conclusion, while it may be assumed that duplication variants including a large DNA segment upstream of the gene (i.e. containing the promoter- and other essential regulatory elements) might result in regular transcription initiation leading to an intact protein product, however shorter tandem duplication variants could result in a frameshift or in-frame duplication change causing disease. Since it is not possible to distinguish between these two outcomes in the context of this evaluation, the variant was classified as uncertain significance.